The following is an entry in ClinVar:

ClinVar aggregate classification (germline): Pathogenic (1 of 4 stars; one submission).

Submission:

Labcorp Genetics (formerly Invitae), Labcorp
Classification: Pathogenic. Last evaluated: 2024-02-02. Review status: criteria provided, single submitter. Criteria: Invitae Variant Classification Sherloc (09022015). Collection method: clinical testing. Allele origin: germline.
Comment: This sequence change creates a premature translational stop signal (p.Gln251*) in the MNX1 gene. It is expected to result in an absent or disrupted protein product. Loss-of-function variants in MNX1 are known to be pathogenic (PMID: 10631160, 10749657, 16254195, 24095820). This variant is not present in population databases (gnomAD no frequency). This variant has not been reported in the literature in individuals affected with MNX1-related conditions. For these reasons, this variant has been classified as Pathogenic.

Literature cited by the submitters: PubMed 10631160; PubMed 10749657; PubMed 16254195; PubMed 24095820.

NM_005515.4(MNX1):c.751C>T (p.Gln251Ter)

Genes: MNX1 (motor neuron and pancreas homeobox 1; minus strand), MNX1-AS2 (MNX1 antisense RNA 2; plus strand). Cytogenetic location: 7q36.3.
Variant type: single nucleotide variant.
Coding change: c.751C>T on transcript NM_005515.4 (MANE Select); coding-DNA position 751, C replaced by T.
Protein change: p.Gln251Ter; replaces glutamine 251 with a stop codon.
Molecular consequence: nonsense.
Genome position (GRCh38, 1-based): chr7:157,006,580, G>A on the plus strand (C>T on the coding strand, the complement: MNX1 is on the minus strand). VCF-style: chr7-157006580-G-A. GRCh37 (hg19) VCF-style: chr7-156799274-G-A.
Other names: c.115C>T, p.Gln39Ter (NM_001165255.2); short protein forms Q251*, Q39*.
Identifiers: ClinVar variation 3638448 (VCV003638448.2).
Genomic context (GRCh38, chr7:157,006,580, plus strand): 5'-GCTTGGGCCGCGACAGGTACTTGTTGAGCTTGAACTGGTGCTCCAGCTCCAGCAGCTGCT[G>A]GCTGGTGAAGGCGGTGCGCGGCCGGCGGCACTTCCCCAGGAGGTTCGACTGCGCCTGGGC-3'